The following is an entry in ClinVar:

NM_003227.4(TFR2):c.17del (p.Gly6fs)

Gene: TFR2 (transferrin receptor 2; minus strand). Cytogenetic location: 7q22.1.
Variant type: Deletion.
Coding change: c.17del on transcript NM_003227.4 (MANE Select); coding-DNA position 17, one base deleted (G; older notation c.17delG).
Protein change: p.Gly6fs; shifts the reading frame from glycine 6.
Molecular consequence: frameshift variant.
Genome position (GRCh38, 1-based): chr7:100,641,493, C deleted on the plus strand (G on the coding strand, the reverse complement: TFR2 is on the minus strand); the first of 4 consecutive C bases (chr7:100,641,493-100,641,496); deleting any one gives the same sequence. VCF-style (leftmost placement, unchanged base first): chr7-100641492-AC-A. GRCh37 (hg19) VCF-style: chr7-100239115-AC-A.
Other names: short protein forms G6fs.
Identifiers: ClinVar variation 2842084 (VCV002842084.3), dbSNP rs1803700065, ClinGen allele CA1105046668.

ClinVar aggregate classification (germline): Pathogenic (1 of 4 stars; one submission).

Conditions:
Hereditary hemochromatosis (HFE). Identifiers: MedGen C0392514, MONDO:0006507. Disease mechanism: loss of function.

Submission:

Labcorp Genetics (formerly Invitae), Labcorp
Classification: Pathogenic for Hereditary hemochromatosis. Last evaluated: 2023-03-02. Review status: criteria provided, single submitter. Criteria: Invitae Variant Classification Sherloc (09022015). Collection method: clinical testing. Allele origin: germline.
Comment: For these reasons, this variant has been classified as Pathogenic. This variant has not been reported in the literature in individuals affected with TFR2-related conditions. This variant is not present in population databases (gnomAD no frequency). This sequence change creates a premature translational stop signal (p.Gly6Valfs*51) in the TFR2 gene. It is expected to result in an absent or disrupted protein product. Loss-of-function variants in TFR2 are known to be pathogenic (PMID: 23600741, 26029709).

Literature cited by the submitters: PubMed 23600741; PubMed 26029709.